The following is an entry in ClinVar:

ClinVar aggregate classification (germline): Likely benign. Review status: criteria provided, multiple submitters, no conflicts (2 of 4 stars). 5 submissions from 5 submitters: Likely benign (5). Last evaluated 2025-06-17.

Conditions:
Congenital multicore myopathy with external ophthalmoplegia (CMYO1B). Also called: Congenital myopathy 1B, autosomal recessive; Minicore myopathy; MULTIMINICORE DISEASE WITH EXTERNAL OPHTHALMOPLEGIA; MULTICORE MYOPATHY; Minicore myopathy with external ophthalmoplegia. Identifiers: Orphanet 598, Orphanet 98905, MedGen C1850674, MONDO:0009712, OMIM 255320, HP:0003789.
Malignant hyperthermia, susceptibility to, 1 (MHS1). Also called: RYR1-Related Malignant Hyperthermia Susceptibility; Anesthesia related hyperthermia; Malignant hyperpyrexia; Fulminating hyperpyrexia; Pharmacogenic myopathy; Malignant hyperthermia suceptibility 1. Identifiers: Orphanet 423, MedGen C2930980, MONDO:0007783, OMIM 145600.
Congenital myopathy with fiber type disproportion. Also called: Congenital fiber-type disproportion; Congenital fiber-type disproportion myopathy. Identifiers: Orphanet 2020, MedGen C0546264, MONDO:0009711. Inheritance: all.
King Denborough syndrome (KDS). Identifiers: MedGen C1840365, MONDO:0020485, OMIM 619542.
Central core myopathy (CMYO1A). Also called: Central core disease; Myopathy, central fibrillar; CONGENITAL MYOPATHY 1A, AUTOSOMAL DOMINANT, WITH SUSCEPTIBILITY TO MALIGNANT HYPERTHERMIA. Identifiers: Orphanet 597, MedGen C5830701, MONDO:0007294, OMIM 117000.
RYR1-related disorder. Also called: RYR1-related condition; RYR1-related disorders. Identifiers: MedGen CN239331.

Allele frequency attached by ClinVar (database versions not stated): gnomAD 0.00002 and 0.00003; ExAC 0.00003; gnomAD exomes 0.00003 and 0.00004; TOPMed 0.00003.
gnomAD v4.1: 67 of 1,613,916 alleles (0.0042%); highest among the groups gnomAD compares: Non-Finnish European, 0.0052%; no homozygotes.

Submissions (5):

Labcorp Genetics (formerly Invitae), Labcorp
Classification: Likely benign for RYR1-related disorder. Last evaluated: 2025-06-17. Review status: criteria provided, single submitter. Criteria: Invitae Variant Classification Sherloc (09022015). Collection method: clinical testing. Allele origin: germline.

All of Us Research Program, National Institutes of Health
Classification: Likely benign for Malignant hyperthermia, susceptibility to, 1. Last evaluated: 2023-12-13. Review status: criteria provided, single submitter. Criteria: ACMG Guidelines, 2015. Collection method: clinical testing. Allele origin: germline. Inheritance: Autosomal dominant inheritance. Observed: 7 variant alleles, 7 heterozygotes.
Comment: This study involves interpretation of variants in research participants for the purpose of population health screening. Participant phenotype was not available at the time of variant classification. Additional details can be found in publication PMID: 35346344, PMCID: PMC8962531

Color Diagnostics, LLC DBA Color Health
Classification: Likely benign for Malignant hyperthermia, susceptibility to, 1. Last evaluated: 2022-11-06. Review status: criteria provided, single submitter. Criteria: ACMG Guidelines, 2015. Collection method: clinical testing. Allele origin: germline.

Fulgent Genetics
Classification: Likely benign for Central core myopathy; Malignant hyperthermia, susceptibility to, 1; Congenital myopathy 4A, autosomal dominant; Congenital multicore myopathy with external ophthalmoplegia; King Denborough syndrome. Last evaluated: 2021-08-10. Review status: criteria provided, single submitter. Criteria: ACMG Guidelines, 2015. Collection method: clinical testing. Allele origin: unknown.

PreventionGenetics, part of Exact Sciences
Classification: Likely benign. Review status: criteria provided, single submitter. Criteria: ACMG Guidelines, 2015. Collection method: clinical testing. Allele origin: germline.

NM_000540.3(RYR1):c.1533C>T (p.Ala511=)

Genes: RYR1 (ryanodine receptor 1; plus strand), LOC129391106 (MPRA-validated peak3472 silencer; plus strand). Cytogenetic location: 19q13.2.
Variant type: single nucleotide variant.
Coding change: c.1533C>T on transcript NM_000540.3 (MANE Select); coding-DNA position 1533, C replaced by T.
Protein change: p.Ala511=; no amino-acid change (alanine 511 retained).
Molecular consequence: synonymous variant.
Genome position (GRCh38, 1-based): chr19:38,455,327, C>T. VCF-style: chr19-38455327-C-T. GRCh37 (hg19) VCF-style: chr19-38945967-C-T.
Other names: c.1533C>T, p.Ala511= (NM_001042723.2).
Identifiers: ClinVar variation 256457 (VCV000256457.16), dbSNP rs758172706, ClinGen allele CA062083.